The following is an entry in ClinVar:

NM_213607.3(DNAAF19):c.82C>T (p.Arg28Trp)

Gene: DNAAF19 (dynein axonemal assembly factor 19; plus strand). Cytogenetic location: 17q21.31.
Variant type: single nucleotide variant.
Coding change: c.82C>T on transcript NM_213607.3 (MANE Select); coding-DNA position 82, C replaced by T.
Protein change: p.Arg28Trp; replaces arginine 28 with tryptophan.
Molecular consequence: missense variant.
Genome position (GRCh38, 1-based): chr17:44,901,080, C>T. VCF-style: chr17-44901080-C-T. GRCh37 (hg19) VCF-style: chr17-42978448-C-T.
Other names: c.82C>T, p.Arg28Trp (NM_001258395.2, NM_001258396.2, NM_001258397.3 and 2 more transcripts); short protein forms R28W.
Identifiers: ClinVar variation 242266 (VCV000242266.9), dbSNP rs144226204, ClinGen allele CA8608264.
Genomic context (GRCh38, chr17:44,901,080, plus strand): 5'-AACTTCAAGGCTTTGGAGAAAGAGCTGCAGGCTGCACTCACTGCTGATGAGAAGTACAAA[C>T]GGGAGAATGCTGCCAAGTTACGGGCAGTGGAACAGAGGGTGGCTTCCTATGAGGAGTTCA-3'
Protein context (NP_998772.1, residues 18-38): AALTADEKYK[Arg28Trp]ENAAKLRAVE

ClinVar aggregate classification (germline): Uncertain significance (1 of 4 stars; one submission).

Conditions:
Primary ciliary dyskinesia. Also called: Ciliary dyskinesia. Identifiers: Orphanet 244, MedGen C0008780, MONDO:0016575, HP:0012265.

Allele frequency attached by ClinVar (database versions not stated): ExAC 0.00005; gnomAD 0.00006; TOPMed 0.00012; ESP Exome Variant Server 0.00023.
gnomAD v4.1: 60 of 1,604,102 alleles (0.0037%); highest among the groups gnomAD compares: Admixed American, 0.027%; no homozygotes.

Submission:

Labcorp Genetics (formerly Invitae), Labcorp
Classification: Uncertain significance for Primary ciliary dyskinesia. Last evaluated: 2022-08-08. Review status: criteria provided, single submitter. Criteria: Invitae Variant Classification Sherloc (09022015). Collection method: clinical testing. Allele origin: germline.
Comment: This sequence change replaces arginine, which is basic and polar, with tryptophan, which is neutral and slightly polar, at codon 28 of the CCDC103 protein (p.Arg28Trp). This variant is present in population databases (rs144226204, gnomAD 0.04%). This variant has not been reported in the literature in individuals affected with CCDC103-related conditions. ClinVar contains an entry for this variant (Variation ID: 242266). Algorithms developed to predict the effect of missense changes on protein structure and function (SIFT, PolyPhen-2, Align-GVGD) all suggest that this variant is likely to be disruptive. In summary, the available evidence is currently insufficient to determine the role of this variant in disease. Therefore, it has been classified as a Variant of Uncertain Significance.